The following is an entry in ClinVar:

ClinVar aggregate classification (germline): Uncertain significance (1 of 4 stars; one submission).

Allele frequency attached by ClinVar (database versions not stated): gnomAD exomes below 0.00001.
gnomAD v4.1: 2 of 1,614,246 alleles (0.00012%); highest among the groups gnomAD compares: East Asian, 0.0022%; no homozygotes.

Submission:

GeneDx
Classification: Uncertain significance. Last evaluated: 2022-05-13. Review status: criteria provided, single submitter. Criteria: GeneDx Variant Classification Process June 2021. Collection method: clinical testing. Allele origin: germline. Affected: yes.
Comment: Not observed at significant frequency in large population cohorts (gnomAD); In silico analysis supports that this missense variant does not alter protein structure/function; Has not been previously published as pathogenic or benign to our knowledge; This variant is associated with the following publications: (PMID: 26100331, 25609763, 25512093)

NM_001376.5(DYNC1H1):c.7184A>G (p.Gln2395Arg)

Gene: DYNC1H1 (dynein cytoplasmic 1 heavy chain 1; plus strand). Cytogenetic location: 14q32.31.
Variant type: single nucleotide variant.
Coding change: c.7184A>G on transcript NM_001376.5 (MANE Select); coding-DNA position 7184, A replaced by G.
Protein change: p.Gln2395Arg; replaces glutamine 2395 with arginine.
Molecular consequence: missense variant.
Genome position (GRCh38, 1-based): chr14:102,015,274, A>G. VCF-style: chr14-102015274-A-G. GRCh37 (hg19) VCF-style: chr14-102481611-A-G.
Other names: short protein forms Q2395R.
Identifiers: ClinVar variation 1723779 (VCV001723779.2), dbSNP rs2048306807, ClinGen allele CA391060358.